The following is an entry in ClinVar:

ClinVar aggregate classification (germline): Uncertain significance. Review status: criteria provided, multiple submitters, no conflicts (2 of 4 stars). 2 submissions from 2 submitters: Uncertain significance (2). Last evaluated 2024-11-18.

Conditions:
Chondrodysplasia punctata, brachytelephalangic, autosomal. Also called: BRACHYTELEPHALANGIC CHONDRODYSPLASIA PUNCTATA. Identifiers: MedGen C1844853, MONDO:0011238, OMIM 602497.
Dystonia, early-onset, and/or spastic paraplegia. Identifiers: MedGen C5562051, MONDO:0859215, OMIM 619681.

gnomAD v4.1: 50 of 1,209,093 alleles (0.0041%); highest among the groups gnomAD compares: Non-Finnish European, 0.005%; no homozygotes.

Submissions (2):

Labcorp Genetics (formerly Invitae), Labcorp
Classification: Uncertain significance for Chondrodysplasia punctata, brachytelephalangic, autosomal. Last evaluated: 2024-11-18. Review status: criteria provided, single submitter. Criteria: Invitae Variant Classification Sherloc (09022015). Collection method: clinical testing. Allele origin: germline.
Comment: This sequence change replaces alanine, which is neutral and non-polar, with threonine, which is neutral and polar, at codon 182 of the ARSE protein (p.Ala182Thr). This variant is present in population databases (rs376321827, gnomAD 0.008%). This variant has not been reported in the literature in individuals affected with ARSE-related conditions. Invitae Evidence Modeling of protein sequence and biophysical properties (such as structural, functional, and spatial information, amino acid conservation, physicochemical variation, residue mobility, and thermodynamic stability) indicates that this missense variant is not expected to disrupt ARSE protein function with a negative predictive value of 80%. In summary, the available evidence is currently insufficient to determine the role of this variant in disease. Therefore, it has been classified as a Variant of Uncertain Significance.

Cambridge Genomics Laboratory, East Genomic Laboratory Hub, NHS Genomic Medicine Service
Classification: Uncertain significance for Dystonia, early-onset, and/or spastic paraplegia. Last evaluated: 2019-04-29. Review status: criteria provided, single submitter. Criteria: ACGS Best Practice Guidelines for Variant Classification in Rare Disease 2020. Collection method: clinical testing. Allele origin: germline. Affected: yes. Observed: 1 variant allele.

NM_000047.3(ARSL):c.544G>A (p.Ala182Thr)

Gene: ARSL (arylsulfatase L; minus strand). Cytogenetic location: Xp22.33.
Variant type: single nucleotide variant.
Coding change: c.544G>A on transcript NM_000047.3 (MANE Select); coding-DNA position 544, G replaced by A.
Protein change: p.Ala182Thr; replaces alanine 182 with threonine.
Molecular consequence: missense variant.
Genome position (GRCh38, 1-based): chrX:2,949,614, C>T on the plus strand (G>A on the coding strand, the complement: ARSL is on the minus strand). VCF-style: chrX-2949614-C-T. GRCh37 (hg19) VCF-style: chrX-2867655-C-T.
Other names: c.619G>A, p.Ala207Thr (NM_001282628.2, NM_001369080.1); c.382G>A, p.Ala128Thr (NM_001282631.2); c.571G>A, p.Ala191Thr (NM_001369079.1); short protein forms A191T, A128T, A207T, A182T.
Identifiers: ClinVar variation 3671993 (VCV003671993.3).